The following is an entry in ClinVar:

NM_000535.7(PMS2):c.988G>C (p.Glu330Gln)

Gene: PMS2 (PMS1 homolog 2, mismatch repair system component; minus strand). Cytogenetic location: 7p22.1.
Variant type: single nucleotide variant.
Coding change: c.988G>C on transcript NM_000535.7 (MANE Select); coding-DNA position 988, G replaced by C.
Protein change: p.Glu330Gln; replaces glutamic acid 330 with glutamine.
Molecular consequence: missense variant. On other transcripts: non-coding transcript variant (1).
Genome position (GRCh38, 1-based): chr7:5,991,973, C>G on the plus strand (G>C on the coding strand, the complement: PMS2 is on the minus strand). VCF-style: chr7-5991973-C-G. GRCh37 (hg19) VCF-style: chr7-6031604-C-G.
Other names: c.583G>C, p.Glu195Gln (NM_001322003.2, NM_001322004.2, NM_001322005.2 and 1 more transcripts); c.988G>C, p.Gly330Arg (NM_001322006.2); c.670G>C, p.Glu224Gln (NM_001322007.2, NM_001322008.2); c.583G>C, p.Gly195Arg (NM_001322010.2); c.55G>C, p.Glu19Gln (NM_001322011.2, NM_001322012.2); c.415G>C, p.Glu139Gln (NM_001322013.2); c.988G>C, p.Glu330Gln (NM_001322014.2); c.679G>C, p.Glu227Gln (NM_001322015.2); short protein forms E224Q, E330Q, G195R, G330R, E195Q, E139Q, E227Q, E19Q.
Identifiers: ClinVar variation 924909 (VCV000924909.5), dbSNP rs1370798039, ClinGen allele CA366743056.

ClinVar aggregate classification (germline): Uncertain significance. Review status: criteria provided, multiple submitters, no conflicts (2 of 4 stars). 2 submissions from 2 submitters: Uncertain significance (2). Last evaluated 2023-04-03.

Conditions:
Hereditary cancer-predisposing syndrome. Also called: Neoplastic Syndromes, Hereditary; Tumor predisposition; Hereditary Cancer Syndrome; Hereditary neoplastic syndrome. Identifiers: Orphanet 140162, MedGen C0027672, MeSH D009386, MONDO:0015356.
Lynch syndrome. Identifiers: Orphanet 144, MedGen C4552100, MONDO:0005835. Disease mechanism: loss of function.

Submissions (2):

All of Us Research Program, National Institutes of Health
Classification: Uncertain significance for Lynch syndrome. Last evaluated: 2023-04-03. Review status: criteria provided, single submitter. Criteria: ACMG Guidelines, 2015. Collection method: clinical testing. Allele origin: germline. Inheritance: Autosomal dominant inheritance. Observed: 2 variant alleles, 2 heterozygotes.
Comment: This missense variant replaces glutamic acid with glutamine at codon 330 of the PMS2 protein. Computational prediction is inconclusive regarding the impact of this variant on protein structure and function (internally defined REVEL score threshold 0.5 < inconclusive < 0.7, PMID: 27666373). To our knowledge, functional studies have not been reported for this variant. This variant has not been reported in individuals affected with hereditary cancer in the literature. This variant has not been identified in the general population by the Genome Aggregation Database (gnomAD). The available evidence is insufficient to determine the role of this variant in disease conclusively. Therefore, this variant is classified as a Variant of Uncertain Significance.

This study involves interpretation of variants in research participants for the purpose of population health screening. Participant phenotype was not available at the time of variant classification. Additional details can be found in publication PMID: 35346344, PMCID: PMC8962531

Color Diagnostics, LLC DBA Color Health
Classification: Uncertain significance for Hereditary cancer-predisposing syndrome. Last evaluated: 2022-09-20. Review status: criteria provided, single submitter. Criteria: ACMG Guidelines, 2015. Collection method: clinical testing. Allele origin: germline.
Comment: This missense variant replaces glutamic acid with glutamine at codon 330 of the PMS2 protein. Computational prediction is inconclusive regarding the impact of this variant on protein structure and function (internally defined REVEL score threshold 0.5 < inconclusive < 0.7, PMID: 27666373). To our knowledge, functional studies have not been reported for this variant. This variant has not been reported in individuals affected with hereditary cancer in the literature. This variant has not been identified in the general population by the Genome Aggregation Database (gnomAD). The available evidence is insufficient to determine the role of this variant in disease conclusively. Therefore, this variant is classified as a Variant of Uncertain Significance.